The following is an entry in ClinVar:

ClinVar aggregate classification (germline): Uncertain significance (1 of 4 stars; one submission).

Allele frequency attached by ClinVar (database versions not stated): gnomAD exomes below 0.00001.
gnomAD v4.1: 6 of 1,614,034 alleles (0.00037%); highest among the groups gnomAD compares: African/African-American, 0.0013%; no homozygotes.

Submission:

Ambry Genetics
Classification: Uncertain significance. Last evaluated: 2022-09-25. Review status: criteria provided, single submitter. Criteria: Ambry Variant Classification Scheme 2023. Collection method: clinical testing. Allele origin: germline.
Comment: The p.V1163I variant (also known as c.3487G>A), located in coding exon 16 of the POLQ gene, results from a G to A substitution at nucleotide position 3487. The valine at codon 1163 is replaced by isoleucine, an amino acid with highly similar properties. This amino acid position is conserved. In addition, this alteration is predicted to be tolerated by in silico analysis. Since supporting evidence is limited at this time, the clinical significance of this alteration remains unclear.

NM_199420.4(POLQ):c.3487G>A (p.Val1163Ile)

Gene: POLQ (DNA polymerase theta; minus strand). Cytogenetic location: 3q13.33.
Variant type: single nucleotide variant.
Coding change: c.3487G>A on transcript NM_199420.4 (MANE Select); coding-DNA position 3487, G replaced by A.
Protein change: p.Val1163Ile; replaces valine 1163 with isoleucine.
Molecular consequence: missense variant.
Genome position (GRCh38, 1-based): chr3:121,489,444, C>T on the plus strand (G>A on the coding strand, the complement: POLQ is on the minus strand). VCF-style: chr3-121489444-C-T. GRCh37 (hg19) VCF-style: chr3-121208291-C-T.
Other names: short protein forms V1163I.
Identifiers: ClinVar variation 1731883 (VCV001731883.2), dbSNP rs1238784117, ClinGen allele CA354099715.